The following is an entry in ClinVar:

NM_013322.3(SNX10):c.537G>A (p.Gly179=)

Genes: SNX10 (sorting nexin 10; plus strand), SNX10-AS1 (SNX10 antisense RNA 1; minus strand). Cytogenetic location: 7p15.2.
Variant type: single nucleotide variant.
Coding change: c.537G>A on transcript NM_013322.3 (MANE Select); coding-DNA position 537, G replaced by A.
Protein change: p.Gly179=; no amino-acid change (glycine 179 retained).
Molecular consequence: synonymous variant. On other transcripts: non-coding transcript variant (3).
Genome position (GRCh38, 1-based): chr7:26,372,503, G>A. VCF-style: chr7-26372503-G-A. GRCh37 (hg19) VCF-style: chr7-26412123-G-A.
Other names: c.537G>A, p.Gly179= (NM_001199835.1, NM_001318199.3); c.528G>A, p.Gly176= (NM_001199837.3); c.285G>A, p.Gly95= (NM_001199838.2); c.615G>A, p.Gly205= (NM_001318198.1, NM_001362753.1, NM_001362754.1).
Identifiers: ClinVar variation 1573480 (VCV001573480.11), dbSNP rs561318996, ClinGen allele CA4195301.
Genomic context (GRCh38, chr7:26,372,503, plus strand): 5'-AAAACCAATTTCCTCTTTTTATTATTTTCCCCCTCTCTTCTTTTCCAGTTCATCCTCTGG[G>A]CTTGGACACAGTAGTGATGACAGCAGTTCACATGGATGTAAAGTAAATACAGCTCCGCAG-3'
Protein context (NP_037454.2, residues 169-189): IDYDSESSSS[Gly179=]LGHSSDDSSS

ClinVar aggregate classification (germline): Benign/Likely benign. Review status: criteria provided, multiple submitters, no conflicts (2 of 4 stars). 3 submissions from 3 submitters: Benign (1); Likely benign (1). 1 of the submissions does not count toward it. Last evaluated 2025-12-19.

Conditions:
SNX10-related disorder. Also called: SNX10-related condition.

Allele frequency attached by ClinVar (database versions not stated): TOPMed 0.00001; gnomAD 0.00007; gnomAD exomes 0.00015 and 0.00031; ExAC 0.00032; 1000 Genomes Project 30x 0.00047; 1000 Genomes Project 0.00060.
gnomAD v4.1: 224 of 1,607,408 alleles (0.014%); highest among the groups gnomAD compares: South Asian, 0.23%; 1 homozygote.

Submissions (3):

Labcorp Genetics (formerly Invitae), Labcorp
Classification: Benign. Last evaluated: 2025-12-19. Review status: criteria provided, single submitter. Criteria: Invitae Variant Classification Sherloc (09022015). Collection method: clinical testing. Allele origin: germline.

Blueprint Genetics
Classification: Likely benign. Last evaluated: 2023-06-28. Review status: criteria provided, single submitter. Criteria: ACMG Guidelines, 2015. Collection method: clinical testing. Allele origin: germline.

PreventionGenetics, part of Exact Sciences
Classification: Likely benign for SNX10-related condition. Last evaluated: 2019-05-06. Review status: no assertion criteria provided. Collection method: clinical testing. Allele origin: germline. Not counted in ClinVar's aggregate classification.
Comment: This variant is classified as likely benign based on ACMG/AMP sequence variant interpretation guidelines (Richards et al. 2015 PMID: 25741868, with internal and published modifications).